The following is an entry in ClinVar:

NM_003803.4(MYOM1):c.675G>T (p.Gln225His)

Gene: MYOM1 (myomesin 1; minus strand). Cytogenetic location: 18p11.31.
Variant type: single nucleotide variant.
Coding change: c.675G>T on transcript NM_003803.4 (MANE Select); coding-DNA position 675, G replaced by T.
Protein change: p.Gln225His; replaces glutamine 225 with histidine.
Molecular consequence: missense variant.
Genome position (GRCh38, 1-based): chr18:3,188,844, C>A on the plus strand (G>T on the coding strand, the complement: MYOM1 is on the minus strand). VCF-style: chr18-3188844-C-A. GRCh37 (hg19) VCF-style: chr18-3188842-C-A.
Other names: c.675G>T, p.Gln225His (NM_019856.2); short protein forms Q225H.
Identifiers: ClinVar variation 1755299 (VCV001755299.2), dbSNP rs868207047, ClinGen allele CA295517550.
Genomic context (GRCh38, chr18:3,188,844, plus strand): 5'-AATCACAACTTTCCTTGACTTCTTTTCAGAAGTTTCTTCCTGTTGAAGAGCGGATGTGGC[C>A]TGTTTGGAAACCACAGACTGCCTGGATGCCGTGGACTGCCTGGATGCCGTGGACTGCTTG-3'
Protein context (NP_003794.3, residues 215-235): TASRQSVVSK[Gln225His]ATSALQQEET

ClinVar aggregate classification (germline): Uncertain significance (1 of 4 stars; one submission).

gnomAD v4.1: 2 of 1,613,598 alleles (0.00012%); highest among the groups gnomAD compares: African/African-American, 0.0027%; no homozygotes.

Submission:

Ambry Genetics
Classification: Uncertain significance. Last evaluated: 2022-04-03. Review status: criteria provided, single submitter. Criteria: Ambry Variant Classification Scheme 2023. Collection method: clinical testing. Allele origin: germline.
Comment: The p.Q225H variant (also known as c.675G>T), located in coding exon 3 of the MYOM1 gene, results from a G to T substitution at nucleotide position 675. The glutamine at codon 225 is replaced by histidine, an amino acid with highly similar properties. This amino acid position is conserved. In addition, this alteration is predicted to be tolerated by in silico analysis. Since supporting evidence is limited at this time, the clinical significance of this alteration remains unclear.